The following is an entry in ClinVar:

NM_000132.4(F8):c.440_448dup (p.Pro149_Gly150insValPhePro)

Gene: F8 (coagulation factor VIII; minus strand). Cytogenetic location: Xq28.
Variant type: Duplication.
Coding change: c.440_448dup on transcript NM_000132.4 (MANE Select); coding-DNA positions 440 to 448, 9 bases duplicated (TCTTCCCTG; older notation c.440_448dupTCTTCCCTG).
Protein change: p.Pro149_Gly150insValPhePro.
Molecular consequence: inframe insertion.
Genome position (GRCh38, 1-based): chrX:154,993,089-154,993,097, CAGGGAAGA duplicated on the plus strand (TCTTCCCTG on the coding strand, the reverse complement: F8 is on the minus strand); duplicating any 9 consecutive bases within chrX:154,993,089-154,993,098 gives the same sequence; the c. name uses the placement nearest the transcript's 3' end. VCF-style (leftmost placement, unchanged base first): chrX-154993088-C-CCAGGGAAGA. GRCh37 (hg19) VCF-style: chrX-154221363-C-CCAGGGAAGA.
Identifiers: ClinVar variation 4857628 (VCV004857628.1).

ClinVar aggregate classification (germline): Uncertain significance (1 of 4 stars; one submission).

Conditions:
Hereditary factor VIII deficiency disease (HEMA). Also called: HEMOPHILIA, CLASSIC; AUTOSOMAL HEMOPHILIA A; Hemophilia A; Hemophilia A, congenital; HEM A; Factor 8 deficiency, congenital. Identifiers: Orphanet 98878, MedGen C0019069, MONDO:0010602, OMIM 306700.

Submission:

Clinical Genetics Laboratory, Skane University Hospital Lund
Classification: Uncertain significance for Hereditary factor VIII deficiency disease. Last evaluated: 2026-07-09. Review status: criteria provided, single submitter. Criteria: ACMG Guidelines, 2015. Collection method: clinical testing. Allele origin: germline. Inheritance: X-linked inheritance. Affected: yes.
Comment: F8 (NM_000132.4):c.440_448dup, p.(Val147_Pro149dup) represents an in-frame duplication, resulting in an elongated protein with uncertain functional significance. F8 c.440_448dup has not been identified in males in the general population (gnomAD v4.1.1). The variant segregates with affected individuals in the present family (four symptomatic hemizygous males and three heterozygous females) and has not previously been reported in ClinVar, but it has been submitted by our laboratory to the UCL F8 variant database. The variant has been classified as a variant of uncertain significance (VUS) according to the gene-specific criteria of the ClinGen Coagulation Factor Deficiency Expert Panel Specifications to the ACMG/AMP Variant Interpretation Guidelines for F8 (Version 2.0.0), based on the following evidence codes: PM2_Supporting, PM4, PP1_Moderate.